The following is an entry in ClinVar:

NM_012431.3(SEMA3E):c.2151C>G (p.Ile717Met)

Gene: SEMA3E (semaphorin 3E; minus strand). Cytogenetic location: 7q21.11.
Variant type: single nucleotide variant.
Coding change: c.2151C>G on transcript NM_012431.3 (MANE Select); coding-DNA position 2151, C replaced by G.
Protein change: p.Ile717Met; replaces isoleucine 717 with methionine.
Molecular consequence: missense variant.
Genome position (GRCh38, 1-based): chr7:83,367,763, G>C on the plus strand (C>G on the coding strand, the complement: SEMA3E is on the minus strand). VCF-style: chr7-83367763-G-C. GRCh37 (hg19) VCF-style: chr7-82997079-G-C.
Other names: c.1971C>G, p.Ile657Met (NM_001178129.2); short protein forms I657M, I717M.
Identifiers: ClinVar variation 3648688 (VCV003648688.2).

ClinVar aggregate classification (germline): Uncertain significance (1 of 4 stars; one submission).

Conditions:
CHARGE syndrome (CHARGE). Also called: Hittner Hirsch Kreh syndrome; CHARGE ASSOCIATION--COLOBOMA, HEART ANOMALY, CHOANAL ATRESIA, RETARDATION, GENITAL AND EAR ANOMALIES; Coloboma, heart anomaly, choanal atresia, retardation, genital and ear anomalies; CHARGE association; Hall-Hittner syndrome. Identifiers: Orphanet 138, MedGen C0265354, MONDO:0008965.

Submission:

Labcorp Genetics (formerly Invitae), Labcorp
Classification: Uncertain significance for CHARGE syndrome. Last evaluated: 2024-05-23. Review status: criteria provided, single submitter. Criteria: Invitae Variant Classification Sherloc (09022015). Collection method: clinical testing. Allele origin: germline.
Comment: This sequence change replaces isoleucine, which is neutral and non-polar, with methionine, which is neutral and non-polar, at codon 717 of the SEMA3E protein (p.Ile717Met). This variant is not present in population databases (gnomAD no frequency). This variant has not been reported in the literature in individuals affected with SEMA3E-related conditions. An algorithm developed to predict the effect of missense changes on protein structure and function (PolyPhen-2) suggests that this variant is likely to be disruptive. In summary, the available evidence is currently insufficient to determine the role of this variant in disease. Therefore, it has been classified as a Variant of Uncertain Significance.